The following is an entry in ClinVar:

ClinVar aggregate classification (germline): Pathogenic (1 of 4 stars; one submission).

Conditions:
Dent disease. Also called: Dent's disease. Identifiers: Orphanet 1652, MedGen C0878681, MONDO:0015612.

Submission:

Women's Health and Genetics/Laboratory Corporation of America, LabCorp
Classification: Pathogenic for Dent disease. Last evaluated: 2026-05-12. Review status: criteria provided, single submitter. Criteria: LabCorp Variant Classification Summary - May 2015. Collection method: clinical testing. Allele origin: germline.
Comment: Variant summary: OCRL c.695_696delAA (p.Lys232ArgfsX24) results in a premature termination codon, predicted to cause a truncation of the encoded protein or absence of the protein due to nonsense mediated decay, which are commonly known mechanisms for disease. The variant was absent in 181633 control chromosomes. To our knowledge, no occurrence of c.695_696delAA in individuals affected with OCRL-related conditions and no experimental evidence demonstrating its impact on protein function have been reported. No submitters have cited clinical-significance assessments for this variant to ClinVar. Based on the evidence outlined above, the variant was classified as pathogenic.

NM_000276.4(OCRL):c.695_696del (p.Lys232fs)

Gene: OCRL (OCRL inositol polyphosphate-5-phosphatase; plus strand). Cytogenetic location: Xq26.1.
Variant type: Deletion.
Coding change: c.695_696del on transcript NM_000276.4 (MANE Select); coding-DNA positions 695 to 696, 2 bases deleted (AA; older notation c.695_696delAA).
Protein change: p.Lys232fs; shifts the reading frame from lysine 232.
Molecular consequence: frameshift variant.
Genome position (GRCh38, 1-based): chrX:129,558,974-129,558,975, AA deleted; deleting any 2 consecutive bases within chrX:129,558,973-129,558,975 gives the same sequence; the c. name uses the placement nearest the transcript's 3' end. VCF-style (leftmost placement, unchanged base first): chrX-129558972-GAA-G. GRCh37 (hg19) VCF-style: chrX-128692949-GAA-G.
Other names: c.695_696delAA (NM_000276.4); c.698_699del, p.Lys233fs (NM_001318784.2); c.695_696del, p.Lys232fs (NM_001587.4); short protein forms K232fs, K233fs.
Identifiers: ClinVar variation 4853250 (VCV004853250.1).